The following is an entry in ClinVar:

NM_198253.3(TERT):c.1258A>G (p.Thr420Ala)

Gene: TERT (telomerase reverse transcriptase; minus strand). Cytogenetic location: 5p15.33.
Variant type: single nucleotide variant.
Coding change: c.1258A>G on transcript NM_198253.3 (MANE Select); coding-DNA position 1258, A replaced by G.
Protein change: p.Thr420Ala; replaces threonine 420 with alanine.
Molecular consequence: missense variant. On other transcripts: non-coding transcript variant (2).
Genome position (GRCh38, 1-based): chr5:1,293,628, T>C on the plus strand (A>G on the coding strand, the complement: TERT is on the minus strand). VCF-style: chr5-1293628-T-C. GRCh37 (hg19) VCF-style: chr5-1293743-T-C.
Other names: c.1258A>G, p.Thr420Ala (NM_001193376.3); short protein forms T420A.
Identifiers: ClinVar variation 1466951 (VCV001466951.8), dbSNP rs2126685146, ClinGen allele CA359086421.

ClinVar aggregate classification (germline): Uncertain significance (1 of 4 stars; one submission).

Conditions:
Dyskeratosis congenita, autosomal dominant 2. Identifiers: MedGen C3151443, MONDO:0013521, OMIM 613989.
Idiopathic Pulmonary Fibrosis. Also called: Idiopathic fibrosing alveolitis, chronic form; idiopathic fibrosing alveolitis. Identifiers: Orphanet 2032, MedGen C1800706, MeSH D054990, MONDO:0800504.

Submission:

Labcorp Genetics (formerly Invitae), Labcorp
Classification: Uncertain significance for Dyskeratosis congenita, autosomal dominant 2; Idiopathic Pulmonary Fibrosis. Last evaluated: 2021-01-21. Review status: criteria provided, single submitter. Criteria: Invitae Variant Classification Sherloc (09022015). Collection method: clinical testing. Allele origin: germline.
Comment: This sequence change replaces threonine with alanine at codon 420 of the TERT protein (p.Thr420Ala). The threonine residue is weakly conserved and there is a small physicochemical difference between threonine and alanine. The frequency data for this variant in the population databases is considered unreliable, as metrics indicate insufficient coverage at this position in the ExAC database. This variant has not been reported in the literature in individuals with TERT-related conditions. Advanced modeling of protein sequence and biophysical properties (such as structural, functional, and spatial information, amino acid conservation, physicochemical variation, residue mobility, and thermodynamic stability) performed at Invitae indicates that this missense variant is not expected to disrupt TERT protein function. In summary, the available evidence is currently insufficient to determine the role of this variant in disease. Therefore, it has been classified as a Variant of Uncertain Significance.